The following is an entry in ClinVar:

NM_201384.3(PLEC):c.13599G>A (p.Ser4533=)

Gene: PLEC (plectin; minus strand). Cytogenetic location: 8q24.3.
Variant type: single nucleotide variant.
Coding change: c.13599G>A on transcript NM_201384.3 (MANE Select); coding-DNA position 13599, G replaced by A.
Protein change: p.Ser4533=; no amino-acid change (serine 4533 retained).
Molecular consequence: synonymous variant.
Genome position (GRCh38, 1-based): chr8:143,916,222, C>T on the plus strand (G>A on the coding strand, the complement: PLEC is on the minus strand). VCF-style: chr8-143916222-C-T. GRCh37 (hg19) VCF-style: chr8-144990390-C-T.
Other names: c.13680G>A, p.Ser4560= (NM_000445.5); c.13557G>A, p.Ser4519= (NM_201378.4); c.13533G>A, p.Ser4511= (NM_201379.3); c.14010G>A, p.Ser4670= (NM_201380.4); c.13503G>A, p.Ser4501= (NM_201381.3); c.13599G>A, p.Ser4533= (NM_201382.4); c.13611G>A, p.Ser4537= (NM_201383.3).
Identifiers: ClinVar variation 646420 (VCV000646420.29), dbSNP rs1377653304, ClinGen allele CA463525941.

ClinVar aggregate classification (germline): Likely benign. Review status: criteria provided, multiple submitters, no conflicts (2 of 4 stars). 2 submissions from 2 submitters: Likely benign (2). Last evaluated 2025-09-01.

Conditions:
Autosomal recessive limb-girdle muscular dystrophy type 2Q (LGMDR17). Also called: MUSCULAR DYSTROPHY, LIMB-GIRDLE, AUTOSOMAL RECESSIVE 17. Identifiers: Orphanet 254361, MedGen C3150989, MONDO:0013390, OMIM 613723.
Epidermolysis bullosa simplex with nail dystrophy (EBS5D). Identifiers: MedGen C4225309, MONDO:0014661, OMIM 616487.
Epidermolysis bullosa simplex 5B, with muscular dystrophy (EBS5B). Also called: Epidermolysis bullosa simplex with muscular dystrophy; EPIDERMOLYSIS BULLOSA SIMPLEX AND LIMB-GIRDLE MUSCULAR DYSTROPHY. Identifiers: Orphanet 257, MedGen C2931072, MONDO:0009181, OMIM 226670.
Epidermolysis bullosa simplex, Ogna type (EBS5A). Also called: EPIDERMOLYSIS BULLOSA SIMPLEX 5A, OGNA TYPE; Pidermolysis bullosa simplex 5A, Ogna type. Identifiers: Orphanet 79401, MedGen C0432317, MONDO:0007555, OMIM 131950.
Epidermolysis bullosa simplex 5C, with pyloric atresia (EBS5C). Also called: PLEC-Related Epidermolysis Bullosa with Pyloric Atresia; PLEC1-Related Epidermolysis Bullosa with Pyloric Atresia; Epidermolysis bullosa simplex with pyloric atresia. Identifiers: Orphanet 158684, MedGen C2677349, MONDO:0012807, OMIM 612138.

Allele frequency attached by ClinVar (database versions not stated): gnomAD exomes 0.00002; TOPMed 0.00002.
gnomAD v4.1: 34 of 1,546,044 alleles (0.0022%); highest among the groups gnomAD compares: Admixed American, 0.0059%; no homozygotes.

Submissions (2):

Labcorp Genetics (formerly Invitae), Labcorp
Classification: Likely benign for Autosomal recessive limb-girdle muscular dystrophy type 2Q; Epidermolysis bullosa simplex, Ogna type; Epidermolysis bullosa simplex with nail dystrophy; Epidermolysis bullosa simplex 5C, with pyloric atresia; Epidermolysis bullosa simplex 5B, with muscular dystrophy. Last evaluated: 2025-09-01. Review status: criteria provided, single submitter. Criteria: Invitae Variant Classification Sherloc (09022015). Collection method: clinical testing. Allele origin: germline.

CeGaT Center for Human Genetics Tuebingen
Classification: Likely benign. Last evaluated: 2024-06-01. Review status: criteria provided, single submitter. Criteria: CeGaT Center For Human Genetics Tuebingen Variant Classification Criteria Version 2. Collection method: clinical testing. Allele origin: germline. Affected: yes. Observed: 1 variant allele.
Comment: PLEC: BP4, BP7